The following is an entry in ClinVar:

NM_003072.5(SMARCA4):c.1554G>A (p.Glu518=)

Gene: SMARCA4 (SWI/SNF related BAF chromatin remodeling complex subunit ATPase 4; plus strand). Cytogenetic location: 19p13.2.
Variant type: single nucleotide variant.
Coding change: c.1554G>A on transcript NM_003072.5 (MANE Select); coding-DNA position 1554, G replaced by A.
Protein change: p.Glu518=; no amino-acid change (glutamic acid 518 retained).
Molecular consequence: synonymous variant. On other transcripts: non-coding transcript variant (1).
Genome position (GRCh38, 1-based): chr19:10,994,962, G>A. VCF-style: chr19-10994962-G-A. GRCh37 (hg19) VCF-style: chr19-11105638-G-A.
Other names: c.1554G>A, p.Glu518= (NM_001128844.3, NM_001128845.2, NM_001128846.2 and 5 more transcripts).
Identifiers: ClinVar variation 415158 (VCV000415158.19), dbSNP rs773341135, ClinGen allele CA9203793.

ClinVar aggregate classification (germline): Benign/Likely benign. Review status: criteria provided, multiple submitters, no conflicts (2 of 4 stars). 5 submissions from 5 submitters: Benign (1); Likely benign (4). Last evaluated 2026-07-10.

Conditions:
Rhabdoid tumor predisposition syndrome 2 (RTPS2). Identifiers: Orphanet 231108, Orphanet 69077, MedGen C2750074, MONDO:0013224, OMIM 613325.
Hereditary cancer-predisposing syndrome. Also called: Hereditary Cancer Syndrome; Hereditary neoplastic syndrome; Neoplastic Syndromes, Hereditary; Tumor predisposition. Identifiers: Orphanet 140162, MedGen C0027672, MeSH D009386, MONDO:0015356.

Allele frequency attached by ClinVar (database versions not stated): gnomAD exomes below 0.00001; TOPMed below 0.00001; ExAC 0.00001.
gnomAD v4.1: 4 of 1,614,034 alleles (0.00025%); highest among the groups gnomAD compares: Non-Finnish European, 0.00025%; no homozygotes.

Submissions (5):

Myriad Genetics, Inc.
Classification: Benign for Rhabdoid tumor predisposition syndrome 2. Last evaluated: 2026-07-10. Review status: criteria provided, single submitter. Criteria: Myriad Autosomal Dominant, Autosomal Recessive and X-Linked Classification Criteria (2023). Collection method: clinical testing. Allele origin: unknown.
Comment: This variant is considered benign. This variant is a silent/synonymous amino acid change and it is not expected to impact splicing.

Labcorp Genetics (formerly Invitae), Labcorp
Classification: Likely benign for Rhabdoid tumor predisposition syndrome 2. Last evaluated: 2026-02-03. Review status: criteria provided, single submitter. Criteria: Invitae Variant Classification Sherloc (09022015). Collection method: clinical testing. Allele origin: germline.

Laboratory of Genetics, Children's Clinical University Hospital Latvia
Classification: Likely benign. Last evaluated: 2025-02-16. Review status: criteria provided, single submitter. Criteria: ACMG Guidelines, 2015. Collection method: clinical testing. Allele origin: germline. Affected: yes.

Blueprint Genetics
Classification: Likely benign. Last evaluated: 2022-11-28. Review status: criteria provided, single submitter. Criteria: ACMG Guidelines, 2015. Collection method: clinical testing. Allele origin: germline.

Ambry Genetics
Classification: Likely benign for Hereditary cancer-predisposing syndrome. Last evaluated: 2016-05-03. Review status: criteria provided, single submitter. Criteria: Ambry Variant Classification Scheme 2023. Collection method: clinical testing. Allele origin: germline.